The following is an entry in ClinVar:

ClinVar aggregate classification (germline): Uncertain significance (1 of 4 stars; one submission).

Conditions:
Cornelia de Lange syndrome 4 (CDLS4). Also called: RAD21-Related Cornelia de Lange Syndrome; CORNELIA DE LANGE SYNDROME 4 WITH OR WITHOUT MIDLINE BRAIN DEFECTS. Identifiers: Orphanet 199, MedGen C3553517, MONDO:0013864, OMIM 614701.

Submission:

Labcorp Genetics (formerly Invitae), Labcorp
Classification: Uncertain significance for Cornelia de Lange syndrome 4. Last evaluated: 2022-05-27. Review status: criteria provided, single submitter. Criteria: Invitae Variant Classification Sherloc (09022015). Collection method: clinical testing. Allele origin: germline.
Comment: In summary, the available evidence is currently insufficient to determine the role of this variant in disease. Therefore, it has been classified as a Variant of Uncertain Significance. This variant disrupts a region of the RAD21 protein in which other variant(s) (p.Thr461Ile) have been observed in individuals with RAD21-related conditions (PMID: 32193685). This suggests that this is a clinically significant region of the protein, and that variants that disrupt it are likely to be disease-causing. Experimental studies and prediction algorithms are not available or were not evaluated, and the functional significance of this variant is currently unknown. This variant has not been reported in the literature in individuals affected with RAD21-related conditions. This variant is present in population databases (rs768077375, gnomAD 0.0009%). This variant, c.1382_1384del, results in the deletion of 1 amino acid(s) of the RAD21 protein (p.Thr461del), but otherwise preserves the integrity of the reading frame.

Literature cited by the submitters: PubMed 32193685.

NM_006265.3(RAD21):c.1382_1384del (p.Thr461del)

Gene: RAD21 (RAD21 cohesin complex component; minus strand). Cytogenetic location: 8q24.11.
Variant type: Deletion.
Coding change: c.1382_1384del on transcript NM_006265.3 (MANE Select); coding-DNA positions 1382 to 1384, 3 bases deleted (CAA; older notation c.1382_1384delCAA).
Protein change: p.Thr461del; deletes threonine 461.
Molecular consequence: inframe deletion.
Genome position (GRCh38, 1-based): chr8:116,852,034-116,852,036, TTG deleted on the plus strand (CAA on the coding strand, the reverse complement: RAD21 is on the minus strand); deleting any 3 consecutive bases within chr8:116,852,034-116,852,038 gives the same sequence; the c. name uses the placement nearest the transcript's 3' end. VCF-style (leftmost placement, unchanged base first): chr8-116852033-TTTG-T. GRCh37 (hg19) VCF-style: chr8-117864272-TTTG-T.
Other names: short protein forms T461del.
Identifiers: ClinVar variation 2037888 (VCV002037888.4), dbSNP rs768077375, ClinGen allele CA4852830.